The following is an entry in ClinVar:

ClinVar aggregate classification (germline): Conflicting classifications of pathogenicity. Review status: criteria provided, conflicting classifications (1 of 4 stars). 2 submissions from 2 submitters: Uncertain significance (1); Likely benign (1). Last evaluated 2024-11-18.

Allele frequency attached by ClinVar (database versions not stated): ESP Exome Variant Server 0.00015.
gnomAD v4.1: 105 of 1,614,006 alleles (0.0065%); highest among the groups gnomAD compares: African/African-American, 0.075%; no homozygotes.

Submissions (2):

Labcorp Genetics (formerly Invitae), Labcorp
Classification: Uncertain significance. Last evaluated: 2024-11-18. Review status: criteria provided, single submitter. Criteria: Invitae Variant Classification Sherloc (09022015). Collection method: clinical testing. Allele origin: germline.
Comment: This sequence change replaces arginine, which is basic and polar, with leucine, which is neutral and non-polar, at codon 1253 of the COL27A1 protein (p.Arg1253Leu). This variant is present in population databases (rs200928771, gnomAD 0.05%). This variant has not been reported in the literature in individuals affected with COL27A1-related conditions. ClinVar contains an entry for this variant (Variation ID: 1423224). Invitae Evidence Modeling of protein sequence and biophysical properties (such as structural, functional, and spatial information, amino acid conservation, physicochemical variation, residue mobility, and thermodynamic stability) indicates that this missense variant is not expected to disrupt COL27A1 protein function with a negative predictive value of 80%. In summary, the available evidence is currently insufficient to determine the role of this variant in disease. Therefore, it has been classified as a Variant of Uncertain Significance.

CeGaT Center for Human Genetics Tuebingen
Classification: Likely benign. Last evaluated: 2024-07-01. Review status: criteria provided, single submitter. Criteria: CeGaT Center For Human Genetics Tuebingen Variant Classification Criteria Version 2. Collection method: clinical testing. Allele origin: germline. Affected: yes. Observed: 1 variant allele.
Comment: COL27A1: BP4

NM_032888.4(COL27A1):c.3758G>T (p.Arg1253Leu)

Gene: COL27A1 (collagen type XXVII alpha 1 chain; plus strand). Cytogenetic location: 9q32.
Variant type: single nucleotide variant.
Coding change: c.3758G>T on transcript NM_032888.4 (MANE Select); coding-DNA position 3758, G replaced by T.
Protein change: p.Arg1253Leu; replaces arginine 1253 with leucine.
Molecular consequence: missense variant.
Genome position (GRCh38, 1-based): chr9:114,282,317, G>T. VCF-style: chr9-114282317-G-T. GRCh37 (hg19) VCF-style: chr9-117044597-G-T.
Other names: short protein forms R1253L.
Identifiers: ClinVar variation 1423224 (VCV001423224.21), dbSNP rs200928771, ClinGen allele CA5202596.
Genomic context (GRCh38, chr9:114,282,317, plus strand): 5'-TGTCCCTCCTCTCTCTTCAGGGTCCTGAAGGAAAATCAGGGAAGCAAGGCGAGAAGGGCC[G>T]CACTGGAGCCAAGGTAGGTGTCCCCTTCTGACTTGATAGGCCTGCGTCCCTCCCCCGCAT-3'
Protein context (NP_116277.2, residues 1243-1263): GKSGKQGEKG[Arg1253Leu]TGAKGAKGYQ